The following is an entry in ClinVar:

ClinVar aggregate classification (germline): Uncertain significance (1 of 4 stars; one submission).

Conditions:
Facioscapulohumeral muscular dystrophy 2 (FSHD2). Also called: MUSCULAR DYSTROPHY, FACIOSCAPULOHUMERAL, TYPE 1B; FACIOSCAPULOHUMERAL MUSCULAR DYSTROPHY 2, DIGENIC; FSHD2, DIGENIC. Identifiers: Orphanet 269, MedGen C1834671, MONDO:0008031, OMIM 158901.

Allele frequency attached by ClinVar (database versions not stated): gnomAD exomes below 0.00001; TOPMed 0.00001.
gnomAD v4.1: 2 of 1,601,408 alleles (0.00012%); highest among the groups gnomAD compares: Admixed American, 0.0034%; no homozygotes.

Submission:

Labcorp Genetics (formerly Invitae), Labcorp
Classification: Uncertain significance for Facioscapulohumeral muscular dystrophy 2. Last evaluated: 2025-07-16. Review status: criteria provided, single submitter. Criteria: Invitae Variant Classification Sherloc (09022015). Collection method: clinical testing. Allele origin: germline.
Comment: This sequence change replaces alanine, which is neutral and non-polar, with threonine, which is neutral and polar, at codon 1086 of the SMCHD1 protein (p.Ala1086Thr). This variant is present in population databases (no rsID available, gnomAD 0.006%). This variant has not been reported in the literature in individuals affected with SMCHD1-related conditions. ClinVar contains an entry for this variant (Variation ID: 2415856). Invitae Evidence Modeling of protein sequence and biophysical properties (such as structural, functional, and spatial information, amino acid conservation, physicochemical variation, residue mobility, and thermodynamic stability) indicates that this missense variant is not expected to disrupt SMCHD1 protein function with a negative predictive value of 80%. In summary, the available evidence is currently insufficient to determine the role of this variant in disease. Therefore, it has been classified as a Variant of Uncertain Significance.

NM_015295.3(SMCHD1):c.3256G>A (p.Ala1086Thr)

Gene: SMCHD1 (structural maintenance of chromosomes flexible hinge domain containing 1; plus strand). Cytogenetic location: 18p11.32.
Variant type: single nucleotide variant.
Coding change: c.3256G>A on transcript NM_015295.3 (MANE Select); coding-DNA position 3256, G replaced by A.
Protein change: p.Ala1086Thr; replaces alanine 1086 with threonine.
Molecular consequence: missense variant.
Genome position (GRCh38, 1-based): chr18:2,732,472, G>A. VCF-style: chr18-2732472-G-A. GRCh37 (hg19) VCF-style: chr18-2732470-G-A.
Other names: short protein forms A1086T.
Identifiers: ClinVar variation 2415856 (VCV002415856.6), dbSNP rs1198483723, ClinGen allele CA401686042.